The following is an entry in ClinVar:

ClinVar aggregate classification (germline): Conflicting classifications of pathogenicity. Review status: criteria provided, conflicting classifications (1 of 4 stars). 2 submissions from 2 submitters: Uncertain significance (1); Likely benign (1). Last evaluated 2022-06-09.

Conditions:
Inborn genetic diseases. Identifiers: MedGen C0950123, MeSH D030342.

Allele frequency attached by ClinVar (database versions not stated): gnomAD 0.00001; gnomAD exomes 0.00001.
gnomAD v4.1: 12 of 1,613,242 alleles (0.00074%); highest among the groups gnomAD compares: South Asian, 0.0011%; no homozygotes.

Submissions (2):

Ambry Genetics
Classification: Likely benign for Inborn genetic diseases. Last evaluated: 2022-06-09. Review status: criteria provided, single submitter. Criteria: Ambry Variant Classification Scheme 2023. Collection method: clinical testing. Allele origin: germline.

Labcorp Genetics (formerly Invitae), Labcorp
Classification: Uncertain significance. Last evaluated: 2021-08-04. Review status: criteria provided, single submitter. Criteria: Invitae Variant Classification Sherloc (09022015). Collection method: clinical testing. Allele origin: germline.
Comment: This sequence change replaces valine with isoleucine at codon 822 of the LRP2 protein (p.Val822Ile). The valine residue is weakly conserved and there is a small physicochemical difference between valine and isoleucine. This variant is not present in population databases (ExAC no frequency). This variant has not been reported in the literature in individuals affected with LRP2-related conditions. Advanced modeling of protein sequence and biophysical properties (such as structural, functional, and spatial information, amino acid conservation, physicochemical variation, residue mobility, and thermodynamic stability) performed at Invitae indicates that this missense variant is not expected to disrupt LRP2 protein function. In summary, the available evidence is currently insufficient to determine the role of this variant in disease. Therefore, it has been classified as a Variant of Uncertain Significance.

NM_004525.3(LRP2):c.2464G>A (p.Val822Ile)

Gene: LRP2 (LDL receptor related protein 2; minus strand). Cytogenetic location: 2q31.1.
Variant type: single nucleotide variant.
Coding change: c.2464G>A on transcript NM_004525.3 (MANE Select); coding-DNA position 2464, G replaced by A.
Protein change: p.Val822Ile; replaces valine 822 with isoleucine.
Molecular consequence: missense variant.
Genome position (GRCh38, 1-based): chr2:169,259,074, C>T on the plus strand (G>A on the coding strand, the complement: LRP2 is on the minus strand). VCF-style: chr2-169259074-C-T. GRCh37 (hg19) VCF-style: chr2-170115584-C-T.
Other names: c.2464G>A (NM_004525.2); short protein forms V822I.
Identifiers: ClinVar variation 1385411 (VCV001385411.4), dbSNP rs1222200565, ClinGen allele CA349158180.